The following is an entry in ClinVar:

ClinVar aggregate classification (germline): Uncertain significance. Review status: criteria provided, multiple submitters, no conflicts (2 of 4 stars). 3 submissions from 3 submitters: Uncertain significance (3). Last evaluated 2025-10-23.

Conditions:
Autosomal recessive limb-girdle muscular dystrophy type 2E (LGMDR4). Also called: MUSCULAR DYSTROPHY, LIMB-GIRDLE, AUTOSOMAL RECESSIVE 4. Identifiers: Orphanet 119, MedGen C1858593, MONDO:0011423, OMIM 604286. Disease mechanism: Affects gamma-sarcoglycan and also disrupts the integrity of the entire sarcoglycan complex..
Inborn genetic diseases. Identifiers: MedGen C0950123, MeSH D030342.

Allele frequency attached by ClinVar (database versions not stated): gnomAD 0.00003; TOPMed 0.00004.
gnomAD v4.1: 7 of 1,613,700 alleles (0.00043%); highest among the groups gnomAD compares: Admixed American, 0.0067%; no homozygotes.

Submissions (3):

Labcorp Genetics (formerly Invitae), Labcorp
Classification: Uncertain significance for Autosomal recessive limb-girdle muscular dystrophy type 2E. Last evaluated: 2025-10-23. Review status: criteria provided, single submitter. Criteria: Invitae Variant Classification Sherloc (09022015). Collection method: clinical testing. Allele origin: germline.
Comment: This sequence change replaces glycine, which is neutral and non-polar, with glutamic acid, which is acidic and polar, at codon 93 of the SGCB protein (p.Gly93Glu). This variant is not present in population databases (gnomAD no frequency). This missense change has been observed in individual(s) with clinical features of SGCB-related condition(s) (internal data). ClinVar contains an entry for this variant (Variation ID: 2061395). Invitae Evidence Modeling of protein sequence and biophysical properties (such as structural, functional, and spatial information, amino acid conservation, physicochemical variation, residue mobility, and thermodynamic stability) has been performed for this missense variant. However, the output from this modeling did not meet the statistical confidence thresholds required to predict the impact of this variant on SGCB protein function. Experimental studies have shown that this missense change affects SGCB function (PMID: 37317968). In summary, the available evidence is currently insufficient to determine the role of this variant in disease. Therefore, it has been classified as a Variant of Uncertain Significance.

Revvity Omics, Revvity
Classification: Uncertain significance for Autosomal recessive limb-girdle muscular dystrophy type 2E. Last evaluated: 2023-10-02. Review status: criteria provided, single submitter. Criteria: ACMG Guidelines, 2015. Collection method: clinical testing. Allele origin: germline.

Ambry Genetics
Classification: Uncertain significance for Inborn genetic diseases. Last evaluated: 2022-07-19. Review status: criteria provided, single submitter. Criteria: Ambry Variant Classification Scheme 2023. Collection method: clinical testing. Allele origin: germline.

Literature cited by the submitters: PubMed 37317968 (cited by Labcorp Genetics (formerly Invitae), Labcorp).

NM_000232.5(SGCB):c.278G>A (p.Gly93Glu)

Gene: SGCB (sarcoglycan beta; minus strand). Cytogenetic location: 4q12.
Variant type: single nucleotide variant.
Coding change: c.278G>A on transcript NM_000232.5 (MANE Select); coding-DNA position 278, G replaced by A.
Protein change: p.Gly93Glu; replaces glycine 93 with glutamic acid.
Molecular consequence: missense variant.
Genome position (GRCh38, 1-based): chr4:52,029,829, C>T on the plus strand (G>A on the coding strand, the complement: SGCB is on the minus strand). VCF-style: chr4-52029829-C-T. GRCh37 (hg19) VCF-style: chr4-52895995-C-T.
Other names: short protein forms G93E.
Identifiers: ClinVar variation 2061395 (VCV002061395.6), dbSNP rs1018529334, ClinGen allele CA96783216.